The following is an entry in ClinVar:

NM_170606.3(KMT2C):c.12535_12549del (p.Gly4179_Ser4183del)

Gene: KMT2C (lysine methyltransferase 2C; minus strand). Cytogenetic location: 7q36.1.
Variant type: Deletion.
Coding change: c.12535_12549del on transcript NM_170606.3 (MANE Select); coding-DNA positions 12535 to 12549, 15 bases deleted (GGATATAAGGATTCT).
Protein change: p.Gly4179_Ser4183del.
Molecular consequence: inframe deletion.
Genome position (GRCh38, 1-based): chr7:152,151,559-152,151,573, AGAATCCTTATATCC deleted on the plus strand (GGATATAAGGATTCT on the coding strand, the reverse complement: KMT2C is on the minus strand); deleting any 15 consecutive bases within chr7:152,151,559-152,151,577 gives the same sequence; the c. name uses the placement nearest the transcript's 3' end. VCF-style (leftmost placement, unchanged base first): chr7-152151558-TAGAATCCTTATATCC-T. GRCh37 (hg19) VCF-style: chr7-151848643-TAGAATCCTTATATCC-T.
Identifiers: ClinVar variation 5016925 (VCV005016925.1).

ClinVar aggregate classification (germline): Uncertain significance (1 of 4 stars; one submission).

Submission:

GeneDx
Classification: Uncertain significance. Last evaluated: 2026-03-24. Review status: criteria provided, single submitter. Criteria: GeneDx Variant Classification Process June 2021. Collection method: clinical testing. Allele origin: germline.
Comment: In-frame deletion of 5 amino acids in a non-repeat region; In silico analysis supports a deleterious effect on protein structure/function; Not observed at significant frequency in large population cohorts (gnomAD); Has not been previously published as pathogenic or benign to our knowledge